The following is an entry in ClinVar:

ClinVar aggregate classification (germline): Likely benign (1 of 4 stars; one submission).

gnomAD v4.1: 109 of 1,447,774 alleles (0.0075%); highest among the groups gnomAD compares: East Asian, 0.13%; no homozygotes.

Submission:

CeGaT Center for Human Genetics Tuebingen
Classification: Likely benign. Last evaluated: 2025-10-01. Review status: criteria provided, single submitter. Criteria: CeGaT Center For Human Genetics Tuebingen Variant Classification Criteria Version 2. Collection method: clinical testing. Allele origin: germline. Affected: yes. Observed: 1 variant allele.
Comment: FBRSL1: BP4, BP7

NM_001367871.1(FBRSL1):c.2319C>A (p.Pro773=)

Gene: FBRSL1 (fibrosin like 1; plus strand). Cytogenetic location: 12q24.33.
Variant type: single nucleotide variant.
Coding change: c.2319C>A on transcript NM_001367871.1 (MANE Select); coding-DNA position 2319, C replaced by A.
Protein change: p.Pro773=; no amino-acid change (proline 773 retained).
Molecular consequence: synonymous variant.
Genome position (GRCh38, 1-based): chr12:132,583,088, C>A. VCF-style: chr12-132583088-C-A. GRCh37 (hg19) VCF-style: chr12-133159674-C-A.
Other names: c.2448C>A, p.Pro816= (NM_001142641.2); c.2373C>A, p.Pro791= (NM_001382739.1); c.1698C>A, p.Pro566= (NM_001382740.1).
Identifiers: ClinVar variation 4534421 (VCV004534421.6).